The following is an entry in ClinVar:

ClinVar aggregate classification (germline): Uncertain significance. Review status: criteria provided, multiple submitters, no conflicts (2 of 4 stars). 2 submissions from 2 submitters: Uncertain significance (2). Last evaluated 2025-08-11.

Conditions:
Hereditary cancer-predisposing syndrome. Also called: Hereditary Cancer Syndrome; Tumor predisposition; Hereditary neoplastic syndrome; Neoplastic Syndromes, Hereditary. Identifiers: Orphanet 140162, MedGen C0027672, MeSH D009386, MONDO:0015356.
Parathyroid carcinoma (PRTC). Also called: Parathyroid gland carcinoma; CDC73-Related Parathyroid Carcinoma. Identifiers: Orphanet 143, MedGen C0687150, MONDO:0012004, OMIM 608266, HP:0006780.

Allele frequency attached by ClinVar (database versions not stated): gnomAD below 0.00001 and 0.00001; gnomAD exomes 0.00001 and 0.00002; ExAC 0.00005.
gnomAD v4.1: 18 of 1,591,298 alleles (0.0011%); highest among the groups gnomAD compares: South Asian, 0.019%; 1 homozygote.

Submissions (2):

Labcorp Genetics (formerly Invitae), Labcorp
Classification: Uncertain significance for Parathyroid carcinoma. Last evaluated: 2025-08-11. Review status: criteria provided, single submitter. Criteria: Invitae Variant Classification Sherloc (09022015). Collection method: clinical testing. Allele origin: germline.
Comment: This sequence change falls in intron 8 of the CDC73 gene. It does not directly change the encoded amino acid sequence of the CDC73 protein. It affects a nucleotide within the consensus splice site. This variant is present in population databases (rs777621924, gnomAD 0.02%), including at least one homozygous and/or hemizygous individual. This variant has not been reported in the literature in individuals affected with CDC73-related conditions. ClinVar contains an entry for this variant (Variation ID: 1045227). Variants that disrupt the consensus splice site are a relatively common cause of aberrant splicing (PMID: 17576681, 9536098). Algorithms developed to predict the effect of sequence changes on RNA splicing suggest that this variant is not likely to affect RNA splicing. In summary, the available evidence is currently insufficient to determine the role of this variant in disease. Therefore, it has been classified as a Variant of Uncertain Significance.

Ambry Genetics
Classification: Uncertain significance for Hereditary cancer-predisposing syndrome. Last evaluated: 2023-01-17. Review status: criteria provided, single submitter. Criteria: Ambry Variant Classification Scheme 2023. Collection method: clinical testing. Allele origin: germline.
Comment: The c.828+4A>G intronic variant results from an A to G substitution 4 nucleotides after coding exon 8 in the CDC73 gene. This nucleotide position is well conserved in available vertebrate species. In silico splice site analysis for this alteration is inconclusive. Since supporting evidence is limited at this time, the clinical significance of this alteration remains unclear.

Literature cited by the submitters: PubMed 17576681 (cited by Labcorp Genetics (formerly Invitae), Labcorp); PubMed 9536098 (cited by Labcorp Genetics (formerly Invitae), Labcorp).

NM_024529.5(CDC73):c.828+4A>G

Gene: CDC73 (cell division cycle 73; plus strand). Cytogenetic location: 1q31.2.
Variant type: single nucleotide variant.
Coding change: c.828+4A>G on transcript NM_024529.5 (MANE Select); 4 bases into the intron after coding-DNA position 828, A replaced by G.
Molecular consequence: intron variant.
Genome position (GRCh38, 1-based): chr1:193,147,969, A>G. VCF-style: chr1-193147969-A-G. GRCh37 (hg19) VCF-style: chr1-193117099-A-G.
Other names: c.828+4A>G (NM_024529.4).
Identifiers: ClinVar variation 1045227 (VCV001045227.9), dbSNP rs777621924, ClinGen allele CA1303467.
Genomic context (GRCh38, chr1:193,147,969, plus strand): 5'-GCCAGAGAAGAAGGGCGTGCACCTGAACAGCGACCTGCCCCAAATGCAGCACCTGTGGTA[A>G]GAATGCTTTACTGCTTTACAGTAGATTTAATGAAGTTGCCACTTATATTGCAGTGTAGTA-3'